The following is an entry in ClinVar:

NC_000023.11:g.(?_31929590)_(31968520_?)del

Gene: DMD (dystrophin; minus strand). Cytogenetic location: Xp21.1.
Variant type: Deletion.
Identifiers: ClinVar variation 661725 (VCV000661725.1).

ClinVar aggregate classification (germline): Pathogenic (1 of 4 stars; one submission).

Conditions:
Duchenne muscular dystrophy (DMD). Also called: MUSCULAR DYSTROPHY, PSEUDOHYPERTROPHIC PROGRESSIVE, DUCHENNE TYPE; Duchenne Muscular Dystrophy (DMD). Identifiers: Orphanet 98896, MedGen C0013264, MONDO:0010679, OMIM 310200.

Submission:

Labcorp Genetics (formerly Invitae), Labcorp
Classification: Pathogenic for Duchenne muscular dystrophy. Last evaluated: 2018-09-16. Review status: criteria provided, single submitter. Criteria: Invitae Variant Classification Sherloc (09022015). Collection method: clinical testing. Allele origin: germline.
Comment: This variant is a gross deletion of the genomic region encompassing exons 45-47 of the DMD gene. This leads to an in-frame deletion, preserving the integrity of the reading frame. Gross deletions in the DMD gene are known to be pathogenic. Similar deletions involving exons 45-47 have been reported in multiple individuals affected with Becker muscular dystrophy (PMID: 11257468, 2063877, 19449031, 18752307, 16566881, 22090376) and in individuals affected with dilated cardiomyopathy (PMID: 21851881). For these reasons, this variant has been classified as Pathogenic.

Literature cited by the submitters: PubMed 22090376; PubMed 11257468; PubMed 16566881; PubMed 21851881; PubMed 18752307; PubMed 19449031; PubMed 2063877.